The following is an entry in ClinVar:

ClinVar aggregate classification (germline): Uncertain significance (1 of 4 stars; one submission).

Allele frequency attached by ClinVar (database versions not stated): gnomAD exomes 0.00004; ExAC 0.00006; TOPMed 0.00011; 1000 Genomes Project 30x 0.00109; 1000 Genomes Project 0.00140.
gnomAD v4.1: 53 of 1,611,788 alleles (0.0033%); highest among the groups gnomAD compares: African/African-American, 0.059%; no homozygotes.

Submission:

Labcorp Genetics (formerly Invitae), Labcorp
Classification: Uncertain significance. Last evaluated: 2022-01-13. Review status: criteria provided, single submitter. Criteria: Invitae Variant Classification Sherloc (09022015). Collection method: clinical testing. Allele origin: germline.
Comment: This sequence change replaces aspartic acid, which is acidic and polar, with glutamic acid, which is acidic and polar, at codon 4308 of the PCLO protein (p.Asp4308Glu). This variant is present in population databases (rs148306873, gnomAD 0.05%). This variant has not been reported in the literature in individuals affected with PCLO-related conditions. Algorithms developed to predict the effect of missense changes on protein structure and function are either unavailable or do not agree on the potential impact of this missense change (SIFT: "Deleterious"; PolyPhen-2: "Not Available"; Align-GVGD: "Class C0"). In summary, the available evidence is currently insufficient to determine the role of this variant in disease. Therefore, it has been classified as a Variant of Uncertain Significance.

NM_033026.6(PCLO):c.12924T>A (p.Asp4308Glu)

Gene: PCLO (piccolo presynaptic cytomatrix protein; minus strand). Cytogenetic location: 7q21.11.
Variant type: single nucleotide variant.
Coding change: c.12924T>A on transcript NM_033026.6 (MANE Select); coding-DNA position 12924, T replaced by A.
Protein change: p.Asp4308Glu; replaces aspartic acid 4308 with glutamic acid.
Molecular consequence: missense variant.
Genome position (GRCh38, 1-based): chr7:82,915,062, A>T on the plus strand (T>A on the coding strand, the complement: PCLO is on the minus strand). VCF-style: chr7-82915062-A-T. GRCh37 (hg19) VCF-style: chr7-82544378-A-T.
Other names: c.12924T>A, p.Asp4308Glu (NM_014510.3); short protein forms D4308E.
Identifiers: ClinVar variation 1399025 (VCV001399025.4), dbSNP rs148306873, ClinGen allele CA4319280.